The following is an entry in ClinVar:

NM_019112.4(ABCA7):c.1838T>C (p.Val613Ala)

Gene: ABCA7 (ATP binding cassette subfamily A member 7; plus strand). Cytogenetic location: 19p13.3.
Variant type: single nucleotide variant.
Coding change: c.1838T>C on transcript NM_019112.4 (MANE Select); coding-DNA position 1838, T replaced by C.
Protein change: p.Val613Ala; replaces valine 613 with alanine.
Molecular consequence: missense variant.
Genome position (GRCh38, 1-based): chr19:1,047,017, T>C. VCF-style: chr19-1047017-T-C. GRCh37 (hg19) VCF-style: chr19-1047016-T-C.
Other names: short protein forms V613A.
Identifiers: ClinVar variation 1050547 (VCV001050547.1), dbSNP rs200420300, ClinGen allele CA9033193.

ClinVar aggregate classification (germline): Uncertain significance (0 of 4 stars; one submission).

Allele frequency attached by ClinVar (database versions not stated): 1000 Genomes Project 30x 0.00016; ExAC 0.00027; ESP Exome Variant Server 0.00031; TOPMed 0.00049.
gnomAD v4.1: 137 of 1,566,360 alleles (0.0087%); highest among the groups gnomAD compares: African/African-American, 0.16%; no homozygotes.

Submission:

Department of Pathology and Laboratory Medicine, Sinai Health System
Classification: Uncertain significance. Review status: no assertion criteria provided. Collection method: clinical testing. Allele origin: unknown. Affected: yes. Study: The Canadian Open Genetics Repository (COGR).
Comment: The ABCA7 p.Val613Ala variant was not identified in the literature nor was it identified in ClinVar or LOVD 3.0. The variant was identified in dbSNP (ID: rs200420300) and in control databases in 30 of 211254 chromosomes at a frequency of 0.000142 (Genome Aggregation Database March 6, 2019, v2.1.1). The variant was observed in the following populations: African in 29 of 19828 chromosomes (freq: 0.001463) and South Asian in 1 of 24882 chromosomes (freq: 0.00004), but was not observed in the Latino, Ashkenazi Jewish, East Asian, European (Finnish), European (non-Finnish), or Other populations. The p.Val613 residue is conserved in mammals and computational analyses (PolyPhen-2, SIFT, AlignGVGD, BLOSUM, MutationTaster) provide inconsistent predictions regarding the impact to the protein; this information is not very predictive of pathogenicity. The variant occurs outside of the splicing consensus sequence and three of four in silico or computational prediction software programs (SpliceSiteFinder, MaxEntScan, NNSPLICE, GeneSplicer) do not predict a greater than 10% difference in splicing; this is not very predictive of pathogenicity. In summary, based on the above information the clinical significance of this variant cannot be determined with certainty at this time. This variant is classified as a variant of uncertain significance.